The following is an entry in ClinVar:

ClinVar aggregate classification (germline): Benign/Likely benign. Review status: criteria provided, multiple submitters, no conflicts (2 of 4 stars). 7 submissions from 7 submitters: Benign (2); Likely benign (4). 1 of the submissions does not count toward it. Last evaluated 2025-02-16.

Conditions:
RECQL4-related disorder. Also called: RECQL4-related disorders; RECQL4-related condition.
Inborn genetic diseases. Identifiers: MedGen C0950123, MeSH D030342.
Baller-Gerold syndrome (BGS). Also called: CRANIOSYNOSTOSIS WITH RADIAL DEFECTS. Identifiers: Orphanet 1225, MedGen C0265308, MONDO:0009039, OMIM 218600.
Rapadilino syndrome. Identifiers: Orphanet 3021, MedGen C1849453, MONDO:0009955, OMIM 266280.

Allele frequency attached by ClinVar (database versions not stated): TOPMed 0.00005; gnomAD exomes 0.00007 and 0.00009; ExAC 0.00008; ESP Exome Variant Server 0.00008; gnomAD 0.00008 and 0.00010.
gnomAD v4.1: 151 of 1,611,026 alleles (0.0094%); highest among the groups gnomAD compares: Middle Eastern, 0.05%; no homozygotes.

Submissions (7):

Laboratory of Genetics, Children's Clinical University Hospital Latvia
Classification: Benign. Last evaluated: 2025-02-16. Review status: criteria provided, single submitter. Criteria: ACMG Guidelines, 2015. Collection method: clinical testing. Allele origin: germline. Affected: yes.

KCCC/NGS Laboratory, Kuwait Cancer Control Center
Classification: Benign for Rapadilino syndrome. Last evaluated: 2025-02-01. Review status: criteria provided, single submitter. Criteria: ACMG Guidelines, 2015. Collection method: clinical testing. Allele origin: germline. Affected: no.

Labcorp Genetics (formerly Invitae), Labcorp
Classification: Likely benign for Baller-Gerold syndrome. Last evaluated: 2025-01-06. Review status: criteria provided, single submitter. Criteria: Invitae Variant Classification Sherloc (09022015). Collection method: clinical testing. Allele origin: germline.

Blueprint Genetics
Classification: Likely benign. Last evaluated: 2024-11-12. Review status: criteria provided, single submitter. Criteria: ACMG Guidelines, 2015. Collection method: clinical testing. Allele origin: germline.

Ambry Genetics
Classification: Likely benign for Inborn genetic diseases. Last evaluated: 2024-10-04. Review status: criteria provided, single submitter. Criteria: Ambry Variant Classification Scheme 2023. Collection method: clinical testing. Allele origin: germline.

CeGaT Center for Human Genetics Tuebingen
Classification: Likely benign. Last evaluated: 2024-09-01. Review status: criteria provided, single submitter. Criteria: CeGaT Center For Human Genetics Tuebingen Variant Classification Criteria Version 2. Collection method: clinical testing. Allele origin: germline. Affected: yes. Observed: 3 variant alleles.
Comment: RECQL4: BP4, BP7

PreventionGenetics, part of Exact Sciences
Classification: Likely benign for RECQL4-related condition. Last evaluated: 2019-07-08. Review status: no assertion criteria provided. Collection method: clinical testing. Allele origin: germline. Not counted in ClinVar's aggregate classification.
Comment: This variant is classified as likely benign based on ACMG/AMP sequence variant interpretation guidelines (Richards et al. 2015 PMID: 25741868, with internal and published modifications).

NM_004260.4(RECQL4):c.1548G>A (p.Ala516=)

Gene: RECQL4 (RecQ like helicase 4; minus strand). Cytogenetic location: 8q24.3.
Variant type: single nucleotide variant.
Coding change: c.1548G>A on transcript NM_004260.4 (MANE Select); coding-DNA position 1548, G replaced by A.
Protein change: p.Ala516=; no amino-acid change (alanine 516 retained).
Molecular consequence: synonymous variant.
Genome position (GRCh38, 1-based): chr8:144,515,008, C>T on the plus strand (G>A on the coding strand, the complement: RECQL4 is on the minus strand). VCF-style: chr8-144515008-C-T. GRCh37 (hg19) VCF-style: chr8-145740392-C-T.
Identifiers: ClinVar variation 239698 (VCV000239698.38), dbSNP rs377022089, ClinGen allele CA4948806.